The following is an entry in ClinVar:

NM_006259.3(PRKG2):c.1929C>T (p.Leu643=)

Gene: PRKG2 (protein kinase cGMP-dependent 2; minus strand). Cytogenetic location: 4q21.21.
Variant type: single nucleotide variant.
Coding change: c.1929C>T on transcript NM_006259.3 (MANE Select); coding-DNA position 1929, C replaced by T.
Protein change: p.Leu643=; no amino-acid change (leucine 643 retained).
Molecular consequence: synonymous variant.
Genome position (GRCh38, 1-based): chr4:81,110,459, G>A on the plus strand (C>T on the coding strand, the complement: PRKG2 is on the minus strand). VCF-style: chr4-81110459-G-A. GRCh37 (hg19) VCF-style: chr4-82031613-G-A.
Other names: c.669C>T, p.Leu223= (NM_001282480.1, NM_001282481.1); c.582C>T, p.Leu194= (NM_001282482.1); c.489C>T, p.Leu163= (NM_001282483.1); c.1842C>T, p.Leu614= (NM_001282485.2); c.1929C>T, p.Leu643= (NM_001363401.2).
Identifiers: ClinVar variation 3050415 (VCV003050415.2), dbSNP rs140694607, ClinGen allele CA2983558.

ClinVar aggregate classification (germline): Likely benign (0 of 4 stars; one submission).

Conditions:
PRKG2-related disorder. Also called: PRKG2-related condition.

Allele frequency attached by ClinVar (database versions not stated): 1000 Genomes Project 0.00040; 1000 Genomes Project 30x 0.00062; TOPMed 0.00099; gnomAD 0.00138; ExAC 0.00155; gnomAD exomes 0.00171; ESP Exome Variant Server 0.00192.
gnomAD v4.1: 2,667 of 1,612,760 alleles (0.17%); highest among the groups gnomAD compares: Non-Finnish European, 0.21%; 5 homozygotes.

Submission:

PreventionGenetics, part of Exact Sciences
Classification: Likely benign for PRKG2-related condition. Last evaluated: 2019-10-28. Review status: no assertion criteria provided. Collection method: clinical testing. Allele origin: germline.
Comment: This variant is classified as likely benign based on ACMG/AMP sequence variant interpretation guidelines (Richards et al. 2015 PMID: 25741868, with internal and published modifications).